The following is an entry in ClinVar:

ClinVar aggregate classification (germline): Uncertain significance (1 of 4 stars; one submission).

Conditions:
Hereditary cancer-predisposing syndrome. Also called: Neoplastic Syndromes, Hereditary; Tumor predisposition; Hereditary neoplastic syndrome; Hereditary Cancer Syndrome. Identifiers: Orphanet 140162, MedGen C0027672, MeSH D009386, MONDO:0015356.

Submission:

Ambry Genetics
Classification: Uncertain significance for Hereditary cancer-predisposing syndrome. Last evaluated: 2026-06-20. Review status: criteria provided, single submitter. Criteria: Ambry Variant Classification Scheme 2023. Collection method: clinical testing. Allele origin: germline.
Comment: The p.E495D variant (also known as c.1485G>T), located in coding exon 13 of the TSC1 gene, results from a G to T substitution at nucleotide position 1485. The glutamic acid at codon 495 is replaced by aspartic acid, an amino acid with highly similar properties. This amino acid position is conserved. In addition, this alteration is predicted to be tolerated by in silico analysis. Based on the available evidence, the clinical significance of this variant remains unclear.

NM_000368.5(TSC1):c.1485G>T (p.Glu495Asp)

Gene: TSC1 (TSC complex subunit 1; minus strand). Cytogenetic location: 9q34.13.
Variant type: single nucleotide variant.
Coding change: c.1485G>T on transcript NM_000368.5 (MANE Select); coding-DNA position 1485, G replaced by T.
Protein change: p.Glu495Asp; replaces glutamic acid 495 with aspartic acid.
Molecular consequence: missense variant. On other transcripts: non-coding transcript variant (5).
Genome position (GRCh38, 1-based): chr9:132,906,093, C>A on the plus strand (G>T on the coding strand, the complement: TSC1 is on the minus strand). VCF-style: chr9-132906093-C-A. GRCh37 (hg19) VCF-style: chr9-135781480-C-A.
Other names: c.1482G>T, p.Glu494Asp (NM_001406597.1, NM_001406598.1, NM_001406599.1 and 6 more transcripts); c.1485G>T, p.Glu495Asp (NM_001406601.1, NM_001406602.1, NM_001406605.1 and 7 more transcripts); c.1122G>T, p.Glu374Asp (NM_001406616.1, NM_001406617.1, NM_001406618.1 and 5 more transcripts); c.1119G>T, p.Glu373Asp (NM_001406620.1, NM_001406621.1, NM_001406622.1 and 2 more transcripts); c.1332G>T, p.Glu444Asp (NM_001162427.2, NM_001406610.1); c.1329G>T, p.Glu443Asp (NM_001406611.1, NM_001406612.1, NM_001406613.1); c.534G>T, p.Glu178Asp (NM_001406626.1); c.531G>T, p.Glu177Asp (NM_001406627.1, NM_001406628.1); and 1 more; short protein forms E373D, E374D, E444D, E494D, E495D, E443D, E177D, E178D.
Identifiers: ClinVar variation 5031199 (VCV005031199.1).